The following is an entry in ClinVar:

NM_022051.3(EGLN1):c.512A>T (p.Asp171Val)

Gene: EGLN1 (egl-9 family hypoxia inducible factor 1; minus strand). Cytogenetic location: 1q42.2.
Variant type: single nucleotide variant.
Coding change: c.512A>T on transcript NM_022051.3 (MANE Select); coding-DNA position 512, A replaced by T.
Protein change: p.Asp171Val; replaces aspartic acid 171 with valine.
Molecular consequence: missense variant.
Genome position (GRCh38, 1-based): chr1:231,421,377, T>A on the plus strand (A>T on the coding strand, the complement: EGLN1 is on the minus strand). VCF-style: chr1-231421377-T-A. GRCh37 (hg19) VCF-style: chr1-231557123-T-A.
Other names: c.512A>T, p.Asp171Val (NM_001377260.1, NM_001377261.1); short protein forms D171V.
Identifiers: ClinVar variation 4663399 (VCV004663399.1).
Genomic context (GRCh38, chr1:231,421,377, plus strand): 5'-AGCGCCGGCAGGGGCTTCGTCTGCCCGTTGGGCCGCAGGCCGCCGCCGGGGCTCAGCGCA[T>A]CCCCGGGCGTGTTGCTTGGGGGGTACAGGTTCGCCTTCTCCTGGAACAGCGATGAGCGGG-3'
Protein context (NP_071334.1, residues 161-181): NLYPPSNTPG[Asp171Val]ALSPGGGLRP

ClinVar aggregate classification (germline): Uncertain significance (1 of 4 stars; one submission).

Submission:

Ambry Genetics
Classification: Uncertain significance. Last evaluated: 2025-10-22. Review status: criteria provided, single submitter. Criteria: Ambry Variant Classification Scheme 2023. Collection method: clinical testing. Allele origin: germline.
Comment: The p.D171V variant (also known as c.512A>T), located in coding exon 1 of the EGLN1 gene, results from an A to T substitution at nucleotide position 512. The aspartic acid at codon 171 is replaced by valine, an amino acid with highly dissimilar properties. This amino acid position is conserved. In addition, this alteration is predicted to be tolerated by in silico analysis. Based on the available evidence, the clinical significance of this variant remains unclear.